The following is an entry in ClinVar:

NM_001146.5(ANGPT1):c.130A>T (p.Thr44Ser)

Gene: ANGPT1 (angiopoietin 1; minus strand). Cytogenetic location: 8q23.1.
Variant type: single nucleotide variant.
Coding change: c.130A>T on transcript NM_001146.5 (MANE Select); coding-DNA position 130, A replaced by T.
Protein change: p.Thr44Ser; replaces threonine 44 with serine.
Molecular consequence: missense variant.
Genome position (GRCh38, 1-based): chr8:107,497,429, T>A on the plus strand (A>T on the coding strand, the complement: ANGPT1 is on the minus strand). VCF-style: chr8-107497429-T-A. GRCh37 (hg19) VCF-style: chr8-108509657-T-A.
Other names: c.130A>T, p.Thr44Ser (NM_001199859.3); short protein forms T44S.
Identifiers: ClinVar variation 3640994 (VCV003640994.2).

ClinVar aggregate classification (germline): Uncertain significance (1 of 4 stars; one submission).

Submission:

Labcorp Genetics (formerly Invitae), Labcorp
Classification: Uncertain significance. Last evaluated: 2024-02-15. Review status: criteria provided, single submitter. Criteria: Invitae Variant Classification Sherloc (09022015). Collection method: clinical testing. Allele origin: germline.
Comment: This sequence change replaces threonine, which is neutral and polar, with serine, which is neutral and polar, at codon 44 of the ANGPT1 protein (p.Thr44Ser). This variant is not present in population databases (gnomAD no frequency). This variant has not been reported in the literature in individuals affected with ANGPT1-related conditions. An algorithm developed to predict the effect of missense changes on protein structure and function (PolyPhen-2) suggests that this variant is likely to be disruptive. Algorithms developed to predict the effect of sequence changes on RNA splicing suggest that this variant may create or strengthen a splice site. In summary, the available evidence is currently insufficient to determine the role of this variant in disease. Therefore, it has been classified as a Variant of Uncertain Significance.